The following is an entry in ClinVar:

ClinVar aggregate classification (germline): Pathogenic (1 of 4 stars; one submission).

Conditions:
Combined immunodeficiency due to LRBA deficiency. Also called: Common variable immunodeficiency 8, with autoimmunity. Identifiers: Orphanet 445018, MedGen C3553512, MONDO:0013863, OMIM 614700.

Submission:

Labcorp Genetics (formerly Invitae), Labcorp
Classification: Pathogenic for Combined immunodeficiency due to LRBA deficiency. Last evaluated: 2020-06-16. Review status: criteria provided, single submitter. Criteria: Invitae Variant Classification Sherloc (09022015). Collection method: clinical testing. Allele origin: germline.
Comment: This variant is an out-of-frame deletion of the genomic region encompassing 38-48 of the LRBA gene. This is expected to create a premature translational stop signal and result in an absent or disrupted protein product. This variant has not been reported in the literature in individuals with LRBA-related conditions. Loss-of-function variants in LRBA are known to be pathogenic (PMID: 26206937, 26768763). For these reasons, this variant has been classified as Pathogenic.

Literature cited by the submitters: PubMed 26206937; PubMed 26768763.

NC_000004.11:g.(?_151336570)_(151520303_?)del

Genes: LRBA (LPS responsive beige-like anchor protein; minus strand), MAB21L2 (mab-21 like 2; plus strand). Cytogenetic location: 4q31.3.
Variant type: Deletion.
Identifiers: ClinVar variation 1074570 (VCV001074570.3).